The following is an entry in ClinVar:

NM_000217.3(KCNA1):c.677C>T (p.Thr226Met)

Gene: KCNA1 (potassium voltage-gated channel subfamily A member 1; plus strand). Cytogenetic location: 12p13.32.
Variant type: single nucleotide variant.
Coding change: c.677C>T on transcript NM_000217.3 (MANE Select); coding-DNA position 677, C replaced by T.
Protein change: p.Thr226Met; replaces threonine 226 with methionine.
Molecular consequence: missense variant.
Genome position (GRCh38, 1-based): chr12:4,912,055, C>T. VCF-style: chr12-4912055-C-T. GRCh37 (hg19) VCF-style: chr12-5021221-C-T.
Other names: short protein forms T226M.
Identifiers: ClinVar variation 21127 (VCV000021127.6), dbSNP rs28933383, ClinGen allele CA341655.

ClinVar aggregate classification (germline): Pathogenic. Review status: criteria provided, multiple submitters, no conflicts (2 of 4 stars). 4 submissions from 4 submitters: Pathogenic (3). 1 of the submissions does not count toward it. Last evaluated 2025-02-19.

Conditions:
Episodic ataxia type 1 (EA1). Also called: MYOKYMIA WITH PERIODIC ATAXIA; PAROXYSMAL ATAXIA WITH NEUROMYOTONIA, HEREDITARY; Episodic ataxia/myokymia syndrome; ATAXIA, EPISODIC, WITH MYOKYMIA. Identifiers: Orphanet 37612, Orphanet 972, MedGen C1719788, MONDO:0008047, OMIM 160120.

Submissions (4):

Labcorp Genetics (formerly Invitae), Labcorp
Classification: Pathogenic for Episodic ataxia type 1. Last evaluated: 2025-02-19. Review status: criteria provided, single submitter. Criteria: Invitae Variant Classification Sherloc (09022015). Collection method: clinical testing. Allele origin: germline.
Comment: This sequence change replaces threonine, which is neutral and polar, with methionine, which is neutral and non-polar, at codon 226 of the KCNA1 protein (p.Thr226Met). This variant is not present in population databases (gnomAD no frequency). This missense change has been observed in individuals with episodic ataxia (PMID: 8871592, 37152446). It has also been observed to segregate with disease in related individuals. ClinVar contains an entry for this variant (Variation ID: 21127). Invitae Evidence Modeling of protein sequence and biophysical properties (such as structural, functional, and spatial information, amino acid conservation, physicochemical variation, residue mobility, and thermodynamic stability) indicates that this missense variant is expected to disrupt KCNA1 protein function with a positive predictive value of 95%. Experimental studies have shown that this missense change affects KCNA1 function (PMID: 9714564). For these reasons, this variant has been classified as Pathogenic.

Institute of Medical Genetics and Applied Genomics, University Hospital Tübingen
Classification: Pathogenic for Episodic ataxia type 1. Last evaluated: 2024-12-05. Review status: criteria provided, single submitter. Criteria: ACMG Guidelines, 2015. Collection method: clinical testing. Allele origin: germline. Inheritance: Autosomal dominant inheritance. Affected: yes.

GeneDx
Classification: Pathogenic. Last evaluated: 2024-05-15. Review status: criteria provided, single submitter. Criteria: GeneDx Variant Classification Process June 2021. Collection method: clinical testing. Allele origin: germline. Affected: yes.
Comment: Published functional studies demonstrate a damaging effect with reduced channel current as well as slowed activation and deactivation kinetics (PMID: 9714564); In silico analysis supports that this missense variant has a deleterious effect on protein structure/function; Not observed at significant frequency in large population cohorts (gnomAD); This variant is associated with the following publications: (PMID: 11679591, 8871592, 9714564)

GeneReviews
No classification provided. Condition: Episodic ataxia type 1. Review status: no classification provided. Collection method: literature only. Allele origin: unknown. Not counted in ClinVar's aggregate classification.

Literature cited by the submitters: PubMed 8871592 (cited by Labcorp Genetics (formerly Invitae), Labcorp); PubMed 37152446 (cited by Labcorp Genetics (formerly Invitae), Labcorp); PubMed 9714564 (cited by Labcorp Genetics (formerly Invitae), Labcorp); PubMed 20301785 (cited by GeneReviews); NCBI Bookshelf NBK25442 (cited by GeneReviews).